The following is an entry in ClinVar:

ClinVar aggregate classification (germline): Pathogenic (1 of 4 stars; one submission).

Conditions:
Peroxisome biogenesis disorder 7A (Zellweger). Also called: Peroxisome biogenesis disorder 7A. Identifiers: Orphanet 912, MedGen C3888385, MONDO:0013938, OMIM 614872.
Peroxisome biogenesis disorder 7B (PBD7B). Identifiers: Orphanet 44, MedGen C3553951, MONDO:0013939, OMIM 614873.

Submission:

Labcorp Genetics (formerly Invitae), Labcorp
Classification: Pathogenic for Peroxisome biogenesis disorder 7A (Zellweger); Peroxisome biogenesis disorder 7B. Last evaluated: 2024-02-01. Review status: criteria provided, single submitter. Criteria: Invitae Variant Classification Sherloc (09022015). Collection method: clinical testing. Allele origin: germline.
Comment: This sequence change creates a premature translational stop signal (p.Gln100Alafs*15) in the PEX26 gene. It is expected to result in an absent or disrupted protein product. Loss-of-function variants in PEX26 are known to be pathogenic (PMID: 12851857, 21031596). This variant is not present in population databases (gnomAD no frequency). This variant has not been reported in the literature in individuals affected with PEX26-related conditions. For these reasons, this variant has been classified as Pathogenic.

Literature cited by the submitters: PubMed 12851857; PubMed 21031596.

NM_001127649.3(PEX26):c.297dup (p.Gln100fs)

Gene: PEX26 (peroxisomal biogenesis factor 26; plus strand). Cytogenetic location: 22q11.21.
Variant type: Duplication.
Coding change: c.297dup on transcript NM_001127649.3 (MANE Select); coding-DNA position 297, one base duplicated (G; older notation c.297dupG).
Protein change: p.Gln100fs; shifts the reading frame from glutamine 100.
Molecular consequence: frameshift variant.
Genome position (GRCh38, 1-based): chr22:18,079,940, G duplicated; the last of 2 consecutive G bases (chr22:18,079,939-18,079,940); duplicating either gives the same sequence. VCF-style (leftmost placement, unchanged base first): chr22-18079938-T-TG. GRCh37 (hg19) VCF-style: chr22-18562704-T-TG.
Other names: c.297dup, p.Gln100fs (NM_001199319.2, NM_017929.6); short protein forms Q100fs.
Identifiers: ClinVar variation 3750992 (VCV003750992.2).
Genomic context (GRCh38, chr22:18,079,938, plus strand): 5'-TTGGAGGTGAAGTGCTCCCTGTGTGTTGTGGGGATCCAGGCCCTGGCAGAAATGGATCGG[T>TG]GGCAAGAAGTCCTCTCCTGGGTCCTTCAGTATTACCAGGTCCCTGAAAAGCTACCCCCCA-3'